The following is an entry in ClinVar:

NM_002863.5(PYGL):c.1768+1G>A

Gene: PYGL (glycogen phosphorylase L; minus strand). Cytogenetic location: 14q22.1.
Variant type: single nucleotide variant.
Coding change: c.1768+1G>A on transcript NM_002863.5 (MANE Select); the canonical splice donor site of the intron after coding-DNA position 1768, G replaced by A.
Molecular consequence: splice donor variant.
Genome position (GRCh38, 1-based): chr14:50,912,155, C>T on the plus strand (G>A on the coding strand, the complement: PYGL is on the minus strand). VCF-style: chr14-50912155-C-T. GRCh37 (hg19) VCF-style: chr14-51378873-C-T.
Other names: IVS14DS, G-A, +1; c.1666+1G>A (NM_001163940.2).
Identifiers: ClinVar variation 11992 (VCV000011992.23), dbSNP rs113993982, ClinGen allele CA341169.

ClinVar aggregate classification (germline): Pathogenic. Review status: criteria provided, multiple submitters, no conflicts (2 of 4 stars). 8 submissions from 8 submitters: Pathogenic (6). 2 of the submissions do not count toward it. Last evaluated 2025-08-01.

Conditions:
Glycogen storage disease, type VI (GSD6). Also called: GSD VI; Glycogen storage disease type 6; Hepatic glycogen phosphorylase deficiency; HERS DISEASE; PHOSPHORYLASE DEFICIENCY GLYCOGEN-STORAGE DISEASE OF LIVER; Glycogen storage disease type 6, due to phosphorylation. Identifiers: Orphanet 369, MedGen C0017925, MONDO:0009294, OMIM 232700.

Allele frequency attached by ClinVar (database versions not stated): gnomAD exomes 0.00001 and 0.00004; TOPMed 0.00001; ExAC 0.00002; gnomAD 0.00002 and 0.00003.
gnomAD v4.1: 27 of 1,614,204 alleles (0.0017%); highest among the groups gnomAD compares: Middle Eastern, 0.033%; no homozygotes.

Submissions (10):

CeGaT Center for Human Genetics Tuebingen
Classification: Pathogenic. Last evaluated: 2025-08-01. Review status: criteria provided, single submitter. Criteria: CeGaT Center For Human Genetics Tuebingen Variant Classification Criteria Version 2. Collection method: clinical testing. Allele origin: germline. Affected: yes. Observed: 1 variant allele.
Comment: PYGL: PVS1, PM2, PM3

3billion
Classification: Pathogenic for Glycogen storage disease, type VI. Last evaluated: 2024-11-08. Review status: criteria provided, single submitter. Criteria: ACMG Guidelines, 2015. Collection method: clinical testing. Allele origin: germline. Affected: yes.
Comment: The variant is observed at an extremely low frequency in the gnomAD v4.1.0 dataset (total allele frequency: 0.002%). Predicted Consequence/Location: Canonical splice site: predicted to alter splicing and result in a loss or disruption of normal protein function. Multiple pathogenic loss-of-function variants are reported downstream of the variant. The variant has been reported at least twice as pathogenic with clinical assertions and evidence for the classification (ClinVar ID: VCV000011992 /PMID: 9529348 /3billion dataset). Therefore, this variant is classified as Pathogenic according to the recommendation of ACMG/AMP guideline.

Genomic Medicine Center of Excellence, King Faisal Specialist Hospital and Research Centre
Classification: Pathogenic for Glycogen storage disease, type VI. Last evaluated: 2024-03-17. Review status: criteria provided, single submitter. Criteria: ACMG Guidelines, 2015. Collection method: research. Allele origin: germline.

Labcorp Genetics (formerly Invitae), Labcorp
Classification: Pathogenic for Glycogen storage disease, type VI. Last evaluated: 2024-02-23. Review status: criteria provided, single submitter. Criteria: Invitae Variant Classification Sherloc (09022015). Collection method: clinical testing. Allele origin: germline.
Comment: This sequence change affects a donor splice site in intron 14 of the PYGL gene. RNA analysis indicates that disruption of this splice site induces altered splicing and may result in an absent or disrupted protein product. This variant is present in population databases (rs113993982, gnomAD 0.006%). Disruption of this splice site has been observed in individuals with glycogen storage disease type VI (PMID: 9529348, 32892177). ClinVar contains an entry for this variant (Variation ID: 11992). Studies have shown that disruption of this splice site results in 3 aberrantly spliced mRNAs and introduces a premature termination codon (PMID: 9529348). The resulting mRNA is expected to undergo nonsense-mediated decay. For these reasons, this variant has been classified as Pathogenic.

Baylor Genetics
Classification: Pathogenic for Glycogen storage disease, type VI. Last evaluated: 2020-07-27. Review status: criteria provided, single submitter. Criteria: ACMG Guidelines, 2015. Collection method: clinical testing. Allele origin: unknown. Affected: yes.
Comment: This variant was determined to be pathogenic according to ACMG Guidelines, 2015 [PMID:25741868].

Pathology and Clinical Laboratory Medicine, King Fahad Medical City
Classification: Pathogenic for Glycogen storage disease, type VI. Review status: criteria provided, single submitter. Criteria: ACMG Guidelines, 2015. Collection method: clinical testing. Allele origin: germline. Affected: yes. Observed: 6 variant alleles.

OMIM
Classification: Pathogenic for GLYCOGEN STORAGE DISEASE VI. Last evaluated: 1998-04-01. Review status: no assertion criteria provided. Collection method: literature only. Allele origin: germline. Not counted in ClinVar's aggregate classification.

Dr. Peter K. Rogan Lab, Western University
No classification provided (evidence only). Condition: Uterine corpus endometrial carcinoma. Review status: no classification provided. Collection method: in vitro. Allele origin: not applicable. Functional consequence: skipped exon, retained intron. Not counted in ClinVar's aggregate classification.

Dr. Peter K. Rogan Lab, Western University
No classification provided (evidence only). Condition: Uveal melanoma. Review status: no classification provided. Collection method: in vitro. Allele origin: not applicable. Functional consequence: skipped exon, retained intron. Not counted in ClinVar's aggregate classification.

GeneReviews
No classification provided. Condition: Glycogen storage disease, type VI. Review status: no classification provided. Collection method: literature only. Allele origin: unknown. Not counted in ClinVar's aggregate classification.

Literature cited by the submitters: PubMed 9529348 (cited by 4 submitters); PubMed 32892177 (cited by Labcorp Genetics (formerly Invitae), Labcorp); PubMed 20301760 (cited by GeneReviews); NCBI Bookshelf NBK5941 (cited by GeneReviews).